The following is an entry in ClinVar:

ClinVar aggregate classification (germline): Uncertain significance (1 of 4 stars; one submission).

Conditions:
BICRA-related disorder. Also called: BICRA-related condition.

Submission:

PreventionGenetics, part of Exact Sciences
Classification: Uncertain significance for BICRA-related condition. Last evaluated: 2025-04-22. Review status: criteria provided, single submitter. Criteria: ACMG Guidelines, 2015. Collection method: clinical testing. Allele origin: germline.
Comment: The BICRA c.2107-1G>A variant is predicted to disrupt the AG splice acceptor site and interfere with normal splicing. Although the impact of this variant on splicing cannot be determined without experimental studies, exon skipping would lead to an inframe deletion of ~58 amino acids. To our knowledge, this variant has not been reported in the literature or in a large population database (gnomAD), indicating this variant is rare. Although we suspect that this variant may be pathogenic, at this time, the clinical significance of this variant is uncertain due to the absence of conclusive functional and genetic evidence.

NM_001394372.1(BICRA):c.2107-1G>A

Gene: BICRA (BRD4 interacting chromatin remodeling complex associated protein; plus strand). Cytogenetic location: 19q13.33.
Variant type: single nucleotide variant.
Coding change: c.2107-1G>A on transcript NM_001394372.1 (MANE Select); the canonical splice acceptor site of the intron before coding-DNA position 2107, G replaced by A.
Molecular consequence: splice acceptor variant.
Genome position (GRCh38, 1-based): chr19:47,681,975, G>A. VCF-style: chr19-47681975-G-A. GRCh37 (hg19) VCF-style: chr19-48185232-G-A.
Other names: c.2107-1G>A (NM_015711.3).
Identifiers: ClinVar variation 5001906 (VCV005001906.1).
Genomic context (GRCh38, chr19:47,681,975, plus strand): 5'-GTGGGGAGGTCGAGGGCCTGTGGGGGCGGCTTTCTGATCCTGTGCGGGCTGCCCGTTGCA[G>A]GAGAGGAGCCAGCAGCCCCTCTCCGCAGAGGGCCCCCACCTCTCCGTGCCTGCCTCGGTC-3'